The following is an entry in ClinVar:

ClinVar aggregate classification (germline): Likely pathogenic. Review status: criteria provided, multiple submitters, no conflicts (2 of 4 stars). 6 submissions from 6 submitters: Likely pathogenic (6). Last evaluated 2026-04-01.

Conditions:
Osteogenesis imperfecta (OI). Identifiers: Orphanet 666, MedGen C0029434, MeSH D010013, MONDO:0019019.
Osteogenesis imperfecta type 8 (OI8). Identifiers: MedGen C1970458, MONDO:0012581, OMIM 610915.
P3H1-related disorders.

Submissions (6):

Women's Health and Genetics/Laboratory Corporation of America, LabCorp
Classification: Likely pathogenic for Osteogenesis imperfecta. Last evaluated: 2026-04-01. Review status: criteria provided, single submitter. Criteria: LabCorp Variant Classification Summary - May 2015. Collection method: clinical testing. Allele origin: germline.
Comment: Variant summary: P3H1 c.2141A>G (p.Lys714Arg) results in a conservative amino acid change in the encoded protein sequence. Algorithms developed to predict the effect of missense changes on protein structure and function all suggest that this variant is likely to be tolerated. This variant is also annotated as P3H1 NM_022356.4 c.2055+86A>G and is located at a position not widely known to affect splicing. Several computational tools predict a significant impact on normal splicing: Five predict the variant creates a 3' acceptor site. However, these predictions have yet to be confirmed by functional studies. The variant was absent in 250378 control chromosomes. The variant has been observed in the homozygous state in multiple individuals from a secluded Myanmar population affected with Osteogenesis Imperfecta with segregation with disease in at least 2 families (Kantaputra_2023, Kantaputra_2021). These data indicate that the variant is likely to be associated with disease. To our knowledge, no experimental evidence demonstrating an impact on protein function has been reported. The following publications have been ascertained in the context of this evaluation (PMID: 36833249, 33737016). ClinVar contains an entry for this variant (Variation ID: 2572759). Based on the evidence outlined above, the variant was classified as likely pathogenic.

Victorian Clinical Genetics Services, Murdoch Childrens Research Institute
Classification: Likely pathogenic for Osteogenesis imperfecta type 8. Last evaluated: 2024-11-21. Review status: criteria provided, single submitter. Criteria: ACMG Guidelines, 2015. Collection method: clinical testing. Allele origin: germline. Affected: yes.
Comment: This variant is classified as Likely pathogenic. Evidence in support of pathogenic classification: Variant is absent from gnomAD (v2, v3 and v4); This variant has moderate previous evidence of pathogenicity in unrelated individuals. This variant has been classified as likely pathogenic by multiple clinical laboratories in ClinVar. It has also been reported in multiple affected homozygous individuals with osteogenesis imperfecta, type VIII; however, it is unknown if these individuals are related (PMID: 36833249); This variant has strong evidence for segregation with disease. It has segregated in six families from the same region in Thailand in which there are homozygous individuals affected with OI type VIII (PMID: 36833249). Evidence in support of benign classification: Missense variant predicted to be tolerated by an in silico tool or not conserved in placental mammals with a minor amino acid change. Additional information: Variant is predicted to result in a missense amino acid change from lysine to arginine. In the MANE transcript, this variant is intronic and is predicted to affect splicing (PMID: 36833249); however, no functional studies have been performed to confirm this; This variant is non-coding in an alternative transcript. It is intronic in other transcripts, including the MANE select transcript NM_022356.4; This variant is homozygous; This gene is associated with autosomal recessive disease; No published functional evidence has been identified for this variant; No comparable missense variants have previous evidence for pathogenicity; Variant is not located in an established domain, motif, hotspot or informative constraint region; Loss of function is a known mechanism of disease in this gene and is associated with osteogenesis imperfecta, type VIII (MIM#610915); Inheritance information for this variant is not currently available in this individual.

Blueprint Genetics
Classification: Likely pathogenic for P3H1-related disorders. Last evaluated: 2023-10-18. Review status: criteria provided, single submitter. Criteria: ACMG Guidelines, 2015. Collection method: clinical testing. Allele origin: germline. Affected: yes. Observed: 2 variant alleles.

GeneDx
Classification: Likely pathogenic. Last evaluated: 2023-07-13. Review status: criteria provided, single submitter. Criteria: GeneDx Variant Classification Process June 2021. Collection method: clinical testing. Allele origin: germline. Affected: yes.
Comment: Not observed in large population cohorts (gnomAD); In silico analysis supports a deleterious effect on splicing; In silico analysis supports that this missense variant does not alter protein structure/function; Reported using an alternate transcript of the gene; This variant is associated with the following publications: (PMID: 33737016)

Genome-Nilou Lab
Classification: Likely pathogenic for Osteogenesis imperfecta type 8. Last evaluated: 2023-04-11. Review status: criteria provided, single submitter. Criteria: ACMG Guidelines, 2015. Collection method: clinical testing. Allele origin: germline. Affected: no.

Molecular Diagnostics Laboratory, M Health Fairview: University of Minnesota
Classification: Likely pathogenic for Osteogenesis imperfecta type 8. Last evaluated: 2023-03-14. Review status: criteria provided, single submitter. Criteria: ACMG Guidelines, 2015. Collection method: clinical testing. Allele origin: germline. Affected: yes.

Literature cited by the submitters: PubMed 33737016 (cited by Women's Health and Genetics/Laboratory Corporation of America, LabCorp); PubMed 36833249 (cited by Women's Health and Genetics/Laboratory Corporation of America, LabCorp and Victorian Clinical Genetics Services, Murdoch Childrens Research Institute).

NM_022356.4(P3H1):c.2055+86A>G

Gene: P3H1 (prolyl 3-hydroxylase 1; minus strand). Cytogenetic location: 1p34.2.
Variant type: single nucleotide variant.
Coding change: c.2055+86A>G on transcript NM_022356.4 (MANE Select); 86 bases into the intron after coding-DNA position 2055, A replaced by G.
Molecular consequence: intron variant. On other transcripts: missense variant (1).
Genome position (GRCh38, 1-based): chr1:42,747,186, T>C on the plus strand (A>G on the coding strand, the complement: P3H1 is on the minus strand). VCF-style: chr1-42747186-T-C. GRCh37 (hg19) VCF-style: chr1-43212857-T-C.
Other names: c.2141A>G, p.Lys714Arg (NM_001243246.2); c.2074+67A>G (NM_001146289.2); c.2055+86A>G (NM_022356.3); short protein forms K714R.
Identifiers: ClinVar variation 2572759 (VCV002572759.7), dbSNP rs2524398325, ClinGen allele CA339951938.